The following is an entry in ClinVar:

NM_000152.5(GAA):c.1231del (p.Arg411fs)

Gene: GAA (alpha glucosidase; plus strand). Cytogenetic location: 17q25.3.
Variant type: Deletion.
Coding change: c.1231del on transcript NM_000152.5 (MANE Select); coding-DNA position 1231, one base deleted (C; older notation c.1231delC).
Protein change: p.Arg411fs; shifts the reading frame from arginine 411.
Molecular consequence: frameshift variant.
Genome position (GRCh38, 1-based): chr17:80,108,733, C deleted; the last of 3 consecutive C bases (chr17:80,108,731-80,108,733); deleting any one gives the same sequence. VCF-style (leftmost placement, unchanged base first): chr17-80108730-TC-T. GRCh37 (hg19) VCF-style: chr17-78082529-TC-T.
Other names: c.1231del, p.Arg411fs (NM_001079803.3, NM_001079804.3, NM_001406741.1 and 1 more transcripts); short protein forms R411fs.
Identifiers: ClinVar variation 4876670 (VCV004876670.1).
Genomic context (GRCh38, chr17:80,108,730, plus strand): 5'-GCAGACGGTCCCGTGTTGTGGCTGCAGGACGTCCAGTGGAACGACCTGGACTACATGGAC[TC>T]CCGGAGGGACTTCACGTTCAACAAGGATGGCTTCCGGGACTTCCCGGCCATGGTGCAGGA-3'

ClinVar aggregate classification (germline): Likely pathogenic (1 of 4 stars; one submission).

Conditions:
Glycogen storage disease, type II (IOPD). Also called: Pompe Disease; CARDIOMEGALIA GLYCOGENICA DIFFUSA; GLYCOGENOSIS, GENERALIZED, CARDIAC FORM; GSD II; POMPE DISEASE, INFANTILE-ONSET; GLYCOGEN STORAGE DISEASE II, INFANTILE-ONSET. Identifiers: Orphanet 365, MedGen C0017921, MONDO:0009290, OMIM 232300.

Submission:

Genomenon, Inc
Classification: Likely pathogenic for Glycogen storage disease, type II. Last evaluated: 2026-07-01. Review status: criteria provided, single submitter. Criteria: Genomenon Sequence Variant Interpretation Standards - Updated. Collection method: curation. Allele origin: germline. Affected: no.
Comment: GAA p.Arg411GlyfsTer29 (c.1231del) is a frameshift variant that is predicted to introduce a premature termination codon and result in a truncated or absent protein product. This variant has been reported in the published literature (PMID:31342611;33560568). It is absent or not present at a significant frequency in gnomAD. In conclusion, we classify GAA p.Arg411GlyfsTer29 (c.1231del) as a likely pathogenic variant.

Literature cited by the submitters: PubMed 31342611; PubMed 33560568.